The following is an entry in ClinVar:

ClinVar aggregate classification (germline): Uncertain significance (1 of 4 stars; one submission).

Conditions:
Long QT syndrome (LQTS). Identifiers: MedGen C0023976, MeSH D008133, MONDO:0002442. Disease mechanism: loss of function. Inheritance: Various modes of inheritance.

gnomAD v4.1: 2 of 1,598,882 alleles (0.00013%); highest among the groups gnomAD compares: African/African-American, 0.0013%; no homozygotes.

Submission:

Labcorp Genetics (formerly Invitae), Labcorp
Classification: Uncertain significance for Long QT syndrome. Last evaluated: 2024-10-28. Review status: criteria provided, single submitter. Criteria: Invitae Variant Classification Sherloc (09022015). Collection method: clinical testing. Allele origin: germline.
Comment: This sequence change replaces asparagine, which is neutral and polar, with lysine, which is basic and polar, at codon 550 of the CACNA1C protein (p.Asn550Lys). The frequency data for this variant in the population databases is considered unreliable, as metrics indicate poor data quality at this position in the gnomAD database. This variant has not been reported in the literature in individuals affected with CACNA1C-related conditions. Invitae Evidence Modeling of protein sequence and biophysical properties (such as structural, functional, and spatial information, amino acid conservation, physicochemical variation, residue mobility, and thermodynamic stability) indicates that this missense variant is not expected to disrupt CACNA1C protein function with a negative predictive value of 95%. In summary, the available evidence is currently insufficient to determine the role of this variant in disease. Therefore, it has been classified as a Variant of Uncertain Significance.

NM_000719.7(CACNA1C):c.1650C>A (p.Asn550Lys)

Gene: CACNA1C (calcium voltage-gated channel subunit alpha1 C; plus strand). Cytogenetic location: 12p13.33.
Variant type: single nucleotide variant.
Coding change: c.1650C>A on transcript NM_000719.7 (MANE Select); coding-DNA position 1650, C replaced by A.
Protein change: p.Asn550Lys; replaces asparagine 550 with lysine.
Molecular consequence: missense variant.
Genome position (GRCh38, 1-based): chr12:2,566,563, C>A. VCF-style: chr12-2566563-C-A. GRCh37 (hg19) VCF-style: chr12-2675729-C-A.
Other names: c.1650C>A, p.Asn550Lys (NM_001129827.2, NM_001129829.2, NM_001129830.3 and 18 more transcripts); c.1641C>A, p.Asn547Lys (NM_001129844.2); short protein forms N547K, N550K.
Identifiers: ClinVar variation 3623041 (VCV003623041.2).